The following is an entry in ClinVar:

NM_005522.5(HOXA1):c.215_223del (p.His72_His74del)

Gene: HOXA1 (homeobox A1; minus strand). Cytogenetic location: 7p15.2.
Variant type: Deletion.
Coding change: c.215_223del on transcript NM_005522.5 (MANE Select); coding-DNA positions 215 to 223, 9 bases deleted (ATCGCCACC; older notation c.215_223delATCGCCACC).
Protein change: p.His72_His74del.
Molecular consequence: inframe deletion.
Genome position (GRCh38, 1-based): chr7:27,095,690-27,095,698, GGTGGCGAT deleted on the plus strand (ATCGCCACC on the coding strand, the reverse complement: HOXA1 is on the minus strand); deleting any 9 consecutive bases within chr7:27,095,690-27,095,703 gives the same sequence; the c. name uses the placement nearest the transcript's 3' end. VCF-style (leftmost placement, unchanged base first): chr7-27095689-GGGTGGCGAT-G. GRCh37 (hg19) VCF-style: chr7-27135308-GGGTGGCGAT-G.
Other names: c.215_223del, p.His72_His74del (NM_153620.3).
Identifiers: ClinVar variation 1205948 (VCV001205948.27), dbSNP rs544314279, ClinGen allele CA4195982.
Genomic context (GRCh38, chr7:27,095,689, plus strand): 5'-CAACTTGAGTGGGAGTAGGACACCCCCAGGTTCCCGGAAGTCTGGTAGGTAGCCGGCTGG[GGGTGGCGAT>G]GGTGGTGGTGGTGGTGGTGGTGGGGCGAACCGATCTGCACCCCCCTGCCCACTAGGAAGC-3'

ClinVar aggregate classification (germline): Likely benign. Review status: criteria provided, multiple submitters, no conflicts (2 of 4 stars). 4 submissions from 4 submitters: Likely benign (2). 2 of the submissions do not count toward it. Last evaluated 2026-09-01.

Submissions (4):

CeGaT Center for Human Genetics Tuebingen
Classification: Likely benign. Last evaluated: 2026-09-01. Review status: criteria provided, single submitter. Criteria: CeGaT Center For Human Genetics Tuebingen Variant Classification Criteria Version 2. Collection method: clinical testing. Allele origin: germline. Affected: yes. Observed: 3 variant alleles.
Comment: HOXA1: BS1

Blueprint Genetics
Classification: Likely benign. Last evaluated: 2024-11-08. Review status: criteria provided, single submitter. Criteria: ACMG Guidelines, 2015. Collection method: clinical testing. Allele origin: germline.

Clinical Genetics DNA and cytogenetics Diagnostics Lab, Erasmus MC, Erasmus Medical Center
Classification: Benign. Review status: no assertion criteria provided. Collection method: clinical testing. Allele origin: germline. Affected: yes. Study: VKGL Data-share Consensus. Not counted in ClinVar's aggregate classification.

Laboratory of Diagnostic Genome Analysis, Leiden University Medical Center (LUMC)
Classification: Likely benign. Review status: no assertion criteria provided. Collection method: clinical testing. Allele origin: germline. Affected: yes. Study: VKGL Data-share Consensus. Not counted in ClinVar's aggregate classification.